The following is an entry in ClinVar:

ClinVar aggregate classification (germline): Likely pathogenic (1 of 4 stars; one submission).

Conditions:
Dilated cardiomyopathy 1G (CMD1G). Identifiers: Orphanet 154, MedGen C1858763, MONDO:0011400, OMIM 604145.
Autosomal recessive limb-girdle muscular dystrophy type 2J (LGMDR10). Also called: Limb-girdle muscular dystrophy, type 2J; MUSCULAR DYSTROPHY, LIMB-GIRDLE, AUTOSOMAL RECESSIVE 10. Identifiers: Orphanet 140922, MedGen C1837342, MONDO:0012127, OMIM 608807.

Submission:

Labcorp Genetics (formerly Invitae), Labcorp
Classification: Likely pathogenic for Dilated cardiomyopathy 1G; Autosomal recessive limb-girdle muscular dystrophy type 2J. Last evaluated: 2024-05-21. Review status: criteria provided, single submitter. Criteria: Invitae Variant Classification Sherloc (09022015). Collection method: clinical testing. Allele origin: germline.
Comment: This sequence change creates a premature translational stop signal (p.Arg23363Tyrfs*2) in the TTN gene. While this is not anticipated to result in nonsense mediated decay, it is expected to create a truncated TTN protein. This variant is not present in population databases (gnomAD no frequency). This premature translational stop signal has been observed in individual(s) with dilated cardiomyopathy (Invitae). This variant is located in the A band of TTN (PMID: 25589632). Truncating variants in this region are significantly overrepresented in patients affected with dilated cardiomyopathy (PMID: 25589632). Truncating variants in this region have also been reported in individuals affected with autosomal recessive centronuclear myopathy (PMID: 23975875). In summary, the currently available evidence indicates that the variant is pathogenic, but additional data are needed to prove that conclusively. Therefore, this variant has been classified as Likely Pathogenic.

Literature cited by the submitters: PubMed 25589632; PubMed 23975875.

NM_001267550.2(TTN):c.70083_70086dup (p.Arg23363delinsTyrTer)

Genes: TTN (titin; minus strand), TTN-AS1 (TTN antisense RNA 1; plus strand), LOC126806422 (BRD4-independent group 4 enhancer GRCh37_chr2:179440205-179441404; plus strand). Cytogenetic location: 2q31.2.
Variant type: Duplication.
Coding change: c.70083_70086dup on transcript NM_001267550.2 (MANE Select); coding-DNA positions 70083 to 70086, 4 bases duplicated (TATT; older notation c.70083_70086dupTATT).
Protein change: p.Arg23363delinsTyrTer.
Molecular consequence: nonsense.
Genome position (GRCh38, 1-based): chr2:178,576,046-178,576,049, AATA duplicated on the plus strand (TATT on the coding strand, the reverse complement: TTN is on the minus strand). VCF-style (leftmost placement, unchanged base first): chr2-178576045-T-TAATA. GRCh37 (hg19) VCF-style: chr2-179440772-T-TAATA.
Other names: c.65160_65163dup, p.Arg21722delinsTyrTer (NM_001256850.1); c.42888_42891dup, p.Arg14298delinsTyrTer (NM_003319.4); c.62379_62382dup, p.Arg20795delinsTyrTer (NM_133378.4); c.43263_43266dup, p.Arg14423delinsTyrTer (NM_133432.3); c.43464_43467dup, p.Arg14490delinsTyrTer (NM_133437.4).
Identifiers: ClinVar variation 3756448 (VCV003756448.2).
Genomic context (GRCh38, chr2:178,576,045, plus strand): 5'-TGTTATCTTTGGTCCATGTCACTTCAGGAGCAGGACGACCTTTAATTGGCACAAATATCC[T>TAATA]AATACTGAGTCCTGCTCTAACAACAAGTGTTCTTCGAAGCTCGGCATCTAGTTCAAAATC-3'